The following is an entry in ClinVar:

NM_001792.5(CDH2):c.1430_1431delinsTG (p.Pro477Leu)

Gene: CDH2 (cadherin 2; minus strand). Cytogenetic location: 18q12.1.
Variant type: Indel.
Coding change: c.1430_1431delinsTG on transcript NM_001792.5 (MANE Select); coding-DNA positions 1430 to 1431, CC replaced by TG.
Protein change: p.Pro477Leu; replaces proline 477 with leucine.
Molecular consequence: missense variant.
Genome position (GRCh38, 1-based): chr18:27,990,264-27,990,265, GG replaced by CA on the plus strand (CC replaced by TG on the coding strand, the reverse complement: CDH2 is on the minus strand). VCF-style: chr18-27990264-GG-CA. GRCh37 (hg19) VCF-style: chr18-25570228-GG-CA.
Other names: c.1337_1338delinsTG, p.Pro446Leu (NM_001308176.2); short protein forms P446L, P477L.
Identifiers: ClinVar variation 1372516 (VCV001372516.6), dbSNP rs2143968654, ClinGen allele CA2573155160.
Genomic context (GRCh38, chr18:27,990,264, plus strand): 5'-AAAATAAGGGTTTTCATTTACGTCAATAACTGTAACAGACACGGTTGCAGTTGACTGAGG[GG>CA]GGTGCTGAATTCCCTTGGCTAATGGCACTTGATTTTCTGCAGCAACAGTAAGGACAAACA-3'
Protein context (NP_001783.2, residues 467-487): QVPLAKGIQH[Pro477Leu]PQSTATVSVT

ClinVar aggregate classification (germline): Uncertain significance (1 of 4 stars; one submission).

Submission:

Labcorp Genetics (formerly Invitae), Labcorp
Classification: Uncertain significance. Last evaluated: 2026-01-11. Review status: criteria provided, single submitter. Criteria: Invitae Variant Classification Sherloc (09022015). Collection method: clinical testing. Allele origin: germline.
Comment: This sequence change replaces proline, which is neutral and non-polar, with leucine, which is neutral and non-polar, at codon 477 of the CDH2 protein (p.Pro477Leu). This variant is present in population databases (no rsID available, gnomAD 0.008%). This variant has not been reported in the literature in individuals affected with CDH2-related conditions. ClinVar contains an entry for this variant (Variation ID: 1772493). Experimental studies and prediction algorithms are not available or were not evaluated, and the functional significance of this variant is currently unknown. In summary, the available evidence is currently insufficient to determine the role of this variant in disease. Therefore, it has been classified as a Variant of Uncertain Significance.